The following is an entry in ClinVar:

ClinVar aggregate classification (germline): Uncertain significance. Review status: criteria provided, multiple submitters, no conflicts (2 of 4 stars). 2 submissions from 2 submitters: Uncertain significance (2). Last evaluated 2025-07-10.

Conditions:
COG7 congenital disorder of glycosylation (CDG2E). Also called: CONGENITAL DISORDER OF GLYCOSYLATION, TYPE IIe; CDG IIe. Identifiers: Orphanet 79333, MedGen C2931010, MONDO:0012118, OMIM 608779.

Allele frequency attached by ClinVar (database versions not stated): ExAC 0.00001; gnomAD 0.00001.

Submissions (2):

Labcorp Genetics (formerly Invitae), Labcorp
Classification: Uncertain significance for COG7 congenital disorder of glycosylation. Last evaluated: 2025-07-10. Review status: criteria provided, single submitter. Criteria: Invitae Variant Classification Sherloc (09022015). Collection method: clinical testing. Allele origin: germline.
Comment: This sequence change replaces arginine, which is basic and polar, with tryptophan, which is neutral and slightly polar, at codon 216 of the COG7 protein (p.Arg216Trp). This variant is present in population databases (rs751918725, gnomAD 0.003%). This variant has not been reported in the literature in individuals affected with COG7-related conditions. ClinVar contains an entry for this variant (Variation ID: 1212683). Invitae Evidence Modeling of protein sequence and biophysical properties (such as structural, functional, and spatial information, amino acid conservation, physicochemical variation, residue mobility, and thermodynamic stability) indicates that this missense variant is expected to disrupt COG7 protein function with a positive predictive value of 80%. In summary, the available evidence is currently insufficient to determine the role of this variant in disease. Therefore, it has been classified as a Variant of Uncertain Significance.

GeneDx
Classification: Uncertain significance. Last evaluated: 2021-04-26. Review status: criteria provided, single submitter. Criteria: GeneDx Variant Classification Process June 2021. Collection method: clinical testing. Allele origin: germline. Affected: yes.
Comment: Not observed at a significant frequency in large population cohorts (Lek et al., 2016); In silico analysis supports that this missense variant has a deleterious effect on protein structure/function; Has not been previously published as pathogenic or benign to our knowledge

NM_153603.4(COG7):c.646C>T (p.Arg216Trp)

Gene: COG7 (component of oligomeric golgi complex 7; minus strand). Cytogenetic location: 16p12.2.
Variant type: single nucleotide variant.
Coding change: c.646C>T on transcript NM_153603.4 (MANE Select); coding-DNA position 646, C replaced by T.
Protein change: p.Arg216Trp; replaces arginine 216 with tryptophan.
Molecular consequence: missense variant.
Genome position (GRCh38, 1-based): chr16:23,434,677, G>A on the plus strand (C>T on the coding strand, the complement: COG7 is on the minus strand). VCF-style: chr16-23434677-G-A. GRCh37 (hg19) VCF-style: chr16-23445998-G-A.
Other names: short protein forms R216W.
Identifiers: ClinVar variation 1212683 (VCV001212683.6), dbSNP rs751918725, ClinGen allele CA7961242.